The following is an entry in ClinVar:

NM_000092.5(COL4A4):c.2977G>A (p.Gly993Arg)

Gene: COL4A4 (collagen type IV alpha 4 chain; minus strand). Cytogenetic location: 2q36.3.
Variant type: single nucleotide variant.
Coding change: c.2977G>A on transcript NM_000092.5 (MANE Select); coding-DNA position 2977, G replaced by A.
Protein change: p.Gly993Arg; replaces glycine 993 with arginine.
Molecular consequence: missense variant.
Genome position (GRCh38, 1-based): chr2:227,051,150, C>T on the plus strand (G>A on the coding strand, the complement: COL4A4 is on the minus strand). VCF-style: chr2-227051150-C-T. GRCh37 (hg19) VCF-style: chr2-227915866-C-T.
Other names: short protein forms G993R.
Identifiers: ClinVar variation 1906159 (VCV001906159.2), dbSNP rs2473975887, ClinGen allele CA350839285.

ClinVar aggregate classification (germline): Uncertain significance (1 of 4 stars; one submission).

Submission:

Labcorp Genetics (formerly Invitae), Labcorp
Classification: Uncertain significance. Last evaluated: 2020-11-12. Review status: criteria provided, single submitter. Criteria: Invitae Variant Classification Sherloc (09022015). Collection method: clinical testing. Allele origin: germline.
Comment: This sequence change replaces glycine with arginine at codon 993 of the COL4A4 protein (p.Gly993Arg). The glycine residue is highly conserved and there is a moderate physicochemical difference between glycine and arginine. This variant is not present in population databases (ExAC no frequency). This variant has not been reported in the literature in individuals with COL4A4-related conditions. Advanced modeling of protein sequence and biophysical properties (such as structural, functional, and spatial information, amino acid conservation, physicochemical variation, residue mobility, and thermodynamic stability) performed at Invitae indicates that this missense variant is expected to disrupt COL4A4 protein function. In summary, the available evidence is currently insufficient to determine the role of this variant in disease. Therefore, it has been classified as a Variant of Uncertain Significance.